The following is an entry in ClinVar:

ClinVar aggregate classification (germline): Uncertain significance. Review status: criteria provided, multiple submitters, no conflicts (2 of 4 stars). 2 submissions from 2 submitters: Uncertain significance (2). Last evaluated 2025-11-19.

Conditions:
CTCF-related neurodevelopmental disorder. Also called: INTELLECTUAL DEVELOPMENTAL DISORDER, AUTOSOMAL DOMINANT 21; Intellectual disability-feeding difficulties-developmental delay-microcephaly syndrome. Identifiers: Orphanet 363611, MedGen C3809686, MONDO:0014213, OMIM 615502.

Submissions (2):

GeneDx
Classification: Uncertain significance. Last evaluated: 2025-11-19. Review status: criteria provided, single submitter. Criteria: GeneDx Variant Classification Process June 2021. Collection method: clinical testing. Allele origin: germline.
Comment: De novo variant with confirmed parentage in a patient in published literature; however, no neurodevelopmental phenotype is described for the patient and the reported clinical features are only partially consistent with the features typically observed in individuals with pathogenic variants in this gene (PMID: 31239556); Not observed at significant frequency in large population cohorts (gnomAD); In silico analysis supports that this missense variant does not alter protein structure/function; This variant is associated with the following publications: (PMID: 36454652, 31239556, 36250618, 38054406)

Institute of Human Genetics, University of Leipzig Medical Center
Classification: Uncertain significance for CTCF-related neurodevelopmental disorder. Last evaluated: 2019-12-21. Review status: criteria provided, single submitter. Criteria: ACMG Guidelines, 2015. Collection method: clinical testing. Allele origin: de novo.

Literature cited by the submitters: PubMed 31239556 (cited by Institute of Human Genetics, University of Leipzig Medical Center).

NM_006565.4(CTCF):c.833G>T (p.Arg278Leu)

Gene: CTCF (CCCTC-binding factor; plus strand). Cytogenetic location: 16q22.1.
Variant type: single nucleotide variant.
Coding change: c.833G>T on transcript NM_006565.4 (MANE Select); coding-DNA position 833, G replaced by T.
Protein change: p.Arg278Leu; replaces arginine 278 with leucine.
Molecular consequence: missense variant. On other transcripts: intron variant (1).
Genome position (GRCh38, 1-based): chr16:67,612,002, G>T. VCF-style: chr16-67612002-G-T. GRCh37 (hg19) VCF-style: chr16-67645905-G-T.
Other names: c.833G>T, p.Arg278Leu (NM_001363916.2); c.-32-4743G>T (NM_001191022.2); short protein forms R278L.
Identifiers: ClinVar variation 1325785 (VCV001325785.3), dbSNP rs779012125, ClinGen allele CA396309000.